The following is an entry in ClinVar:

ClinVar aggregate classification (germline): Benign/Likely benign. Review status: criteria provided, multiple submitters, no conflicts (2 of 4 stars). 8 submissions from 6 submitters: Benign (7); Likely benign (1). Last evaluated 2026-01-23.

Conditions:
Liddle syndrome 1 (LIDLS1). Also called: PSEUDOALDOSTERONISM. Identifiers: Orphanet 526, MedGen CN031472, MONDO:0020607, OMIM 177200.
Pseudohypoaldosteronism, type IB1, autosomal recessive. Also called: Pseudohypoaldosteronism, Type I, Autosomal Recessive; PHA I, AUTOSOMAL RECESSIVE; Pseudohypoaldosteronism, Type I, Recessive; Autosomal recessive pseudohypoaldosteronism type 1. Identifiers: Orphanet 171876, Orphanet 756, MedGen C5774176, MONDO:0009917, OMIM 264350.
Bronchiectasis with or without elevated sweat chloride 1 (BESC1). Also called: Cystic Fibrosis-Like Syndrome. Identifiers: Orphanet 60033, MedGen C2749757, MONDO:0008887, OMIM 211400.

Allele frequency attached by ClinVar (database versions not stated): gnomAD exomes 0.00271; ExAC 0.00337; gnomAD 0.00962; 1000 Genomes Project 30x 0.01046; 1000 Genomes Project 0.01118; TOPMed 0.01130; ESP Exome Variant Server 0.01231.
gnomAD v4.1: 3,509 of 1,613,382 alleles (0.22%); highest among the groups gnomAD compares: African/African-American, 3.3%; 46 homozygotes.

Submissions (8):

Labcorp Genetics (formerly Invitae), Labcorp
Classification: Benign. Last evaluated: 2026-01-23. Review status: criteria provided, single submitter. Criteria: Invitae Variant Classification Sherloc (09022015). Collection method: clinical testing. Allele origin: germline.

Mayo Clinic Laboratories, Mayo Clinic
Classification: Benign. Last evaluated: 2024-12-13. Review status: criteria provided, single submitter. Criteria: ACMG Guidelines, 2015. Collection method: clinical testing. Allele origin: germline. Observed: 1 variant allele.
Comment: BA1, BS2, BP4

GeneDx
Classification: Likely benign. Last evaluated: 2024-06-20. Review status: criteria provided, single submitter. Criteria: GeneDx Variant Classification Process June 2021. Collection method: clinical testing. Allele origin: germline. Affected: yes.
Comment: See Variant Classification Assertion Criteria.

Illumina Laboratory Services, Illumina
Classification: Benign for Liddle syndrome 1. Last evaluated: 2018-01-13. Review status: criteria provided, single submitter. Criteria: ICSL Variant Classification Criteria 13 December 2019. Collection method: clinical testing. Allele origin: germline.
Comment: This variant was observed in the ICSL laboratory as part of a predisposition screen in an ostensibly healthy population. It had not been previously curated by ICSL or reported in the Human Gene Mutation Database (HGMD: prior to June 1st, 2018), and was therefore a candidate for classification through an automated scoring system. Utilizing variant allele frequency, disease prevalence and penetrance estimates, and inheritance mode, an automated score was calculated to assess if this variant is too frequent to cause the disease. Based on the score and internal cut-off values, a variant classified as benign is not then subjected to further curation. The score for this variant resulted in a classification of benign for this disease.

Illumina Laboratory Services, Illumina
Classification: Benign for Bronchiectasis with or without elevated sweat chloride 1. Last evaluated: 2018-01-13. Review status: criteria provided, single submitter. Criteria: ICSL Variant Classification Criteria 13 December 2019. Collection method: clinical testing. Allele origin: germline.
Comment: the same text as in the submission from Illumina Laboratory Services, Illumina above.

Illumina Laboratory Services, Illumina
Classification: Benign for Pseudohypoaldosteronism, type IB1, autosomal recessive. Last evaluated: 2018-01-13. Review status: criteria provided, single submitter. Criteria: ICSL Variant Classification Criteria 13 December 2019. Collection method: clinical testing. Allele origin: germline.
Comment: the same text as in the submission from Illumina Laboratory Services, Illumina above.

Athena Diagnostics
Classification: Benign. Last evaluated: 2017-12-05. Review status: criteria provided, single submitter. Criteria: Athena Diagnostics Criteria. Collection method: clinical testing. Allele origin: germline.

Breakthrough Genomics
Classification: Benign. Review status: criteria provided, single submitter. Criteria: ACMG Guidelines, 2015. Collection method: not provided. Allele origin: germline. Inheritance: Autosomal dominant inheritance. Affected: yes.

NM_000336.3(SCNN1B):c.1162C>T (p.Arg388Cys)

Gene: SCNN1B (sodium channel epithelial 1 subunit beta; plus strand). Cytogenetic location: 16p12.2.
Variant type: single nucleotide variant.
Coding change: c.1162C>T on transcript NM_000336.3 (MANE Select); coding-DNA position 1162, C replaced by T.
Protein change: p.Arg388Cys; replaces arginine 388 with cysteine.
Molecular consequence: missense variant.
Genome position (GRCh38, 1-based): chr16:23,375,747, C>T. VCF-style: chr16-23375747-C-T. GRCh37 (hg19) VCF-style: chr16-23387068-C-T.
Other names: p.Arg388Cys; short protein forms R388C.
Identifiers: ClinVar variation 318432 (VCV000318432.18), dbSNP rs61729788, ClinGen allele CA7960385.